The following is an entry in ClinVar:

ClinVar aggregate classification (germline): Uncertain significance (1 of 4 stars; one submission).

Conditions:
EGFR-related lung cancer (EGFR). Identifiers: MedGen CN130014.

Allele frequency attached by ClinVar (database versions not stated): gnomAD exomes below 0.00001.
gnomAD v4.1: 1 of 1,614,226 alleles (0.000062%); highest among the groups gnomAD compares: Non-Finnish European, 0.000085%; no homozygotes.

Submission:

Labcorp Genetics (formerly Invitae), Labcorp
Classification: Uncertain significance for EGFR-related lung cancer. Last evaluated: 2020-07-16. Review status: criteria provided, single submitter. Criteria: Invitae Variant Classification Sherloc (09022015). Collection method: clinical testing. Allele origin: germline.
Comment: Algorithms developed to predict the effect of missense changes on protein structure and function are either unavailable or do not agree on the potential impact of this missense change (SIFT: "Tolerated"; PolyPhen-2: "Probably Damaging"; Align-GVGD: "Class C0"). This sequence change replaces alanine with valine at codon 86 of the EGFR protein (p.Ala86Val). The alanine residue is moderately conserved and there is a small physicochemical difference between alanine and valine. This variant is not present in population databases (ExAC no frequency). This variant has not been reported in the literature in individuals with EGFR-related conditions. Algorithms developed to predict the effect of sequence changes on RNA splicing suggest that this variant may create or strengthen a splice site, but this prediction has not been confirmed by published transcriptional studies. In summary, the available evidence is currently insufficient to determine the role of this variant in disease. Therefore, it has been classified as a Variant of Uncertain Significance.

NM_005228.5(EGFR):c.257C>T (p.Ala86Val)

Gene: EGFR (epidermal growth factor receptor; plus strand). Cytogenetic location: 7p11.2.
Variant type: single nucleotide variant.
Coding change: c.257C>T on transcript NM_005228.5 (MANE Select); coding-DNA position 257, C replaced by T.
Protein change: p.Ala86Val; replaces alanine 86 with valine.
Molecular consequence: missense variant. On other transcripts: intron variant (1).
Genome position (GRCh38, 1-based): chr7:55,143,321, C>T. VCF-style: chr7-55143321-C-T. GRCh37 (hg19) VCF-style: chr7-55211014-C-T.
Other names: c.257C>T, p.Ala86Val (NM_001346897.2, NM_001346898.2, NM_001346899.2 and 3 more transcripts); c.98C>T, p.Ala33Val (NM_001346900.2); c.89-12509C>T (NM_001346941.2); short protein forms A33V, A86V.
Identifiers: ClinVar variation 1015895 (VCV001015895.8), dbSNP rs1794573114, ClinGen allele CA367575655.